The following is an entry in ClinVar:

ClinVar aggregate classification (germline): Benign/Likely benign. Review status: criteria provided, multiple submitters, no conflicts (2 of 4 stars). 28 submissions from 21 submitters: Benign (16); Likely benign (7). 5 of the submissions do not count toward it. Last evaluated 2026-03-27.

Conditions:
Cardiovascular phenotype. Identifiers: MedGen CN230736.
Autosomal recessive limb-girdle muscular dystrophy type 2J (LGMDR10). Also called: Limb-girdle muscular dystrophy, type 2J; MUSCULAR DYSTROPHY, LIMB-GIRDLE, AUTOSOMAL RECESSIVE 10. Identifiers: Orphanet 140922, MedGen C1837342, MONDO:0012127, OMIM 608807.
Dilated cardiomyopathy 1G (CMD1G). Identifiers: Orphanet 154, MedGen C1858763, MONDO:0011400, OMIM 604145.
Cardiomyopathy (CMYO). Also called: Cardiomyopathies. Identifiers: Orphanet 167848, MedGen C0878544, MONDO:0004994, HP:0001638. Inheritance: Various modes of inheritance.
Early-onset myopathy with fatal cardiomyopathy (CMYO5). Also called: Salih Myopathy; CONGENITAL MYOPATHY 5 WITH CARDIOMYOPATHY. Identifiers: Orphanet 289377, MedGen C2673677, MONDO:0012714, OMIM 611705. Disease mechanism: loss of function.
Myopathy, myofibrillar, 9, with early respiratory failure (MFM9). Also called: Hereditary myopathy with early respiratory failure; EDSTROM MYOPATHY; MYOPATHY, PROXIMAL, WITH EARLY RESPIRATORY MUSCLE INVOLVEMENT; Myopathy, distal, with early respiratory failure, autosomal dominant. Identifiers: Orphanet 178464, Orphanet 34521, MedGen C1863599, MONDO:0011362, OMIM 603689.
Tibial muscular dystrophy (TMD). Also called: UDD MYOPATHY; Udd Distal Myopathy – Tibial Muscular Dystrophy; Tibial muscular dystrophy, tardive. Identifiers: Orphanet 609, MedGen C1838244, MONDO:0010870, OMIM 600334.

Allele frequency attached by ClinVar (database versions not stated): 1000 Genomes Project 0.00379; 1000 Genomes Project 30x 0.00390; gnomAD 0.00957 and 0.00971; ExAC 0.00996; gnomAD exomes 0.01016 and 0.01530; TOPMed 0.01035; ESP Exome Variant Server 0.01207.
gnomAD v4.1: 23,804 of 1,614,078 alleles (1.5%); highest among the groups gnomAD compares: Non-Finnish European, 1.8%; 197 homozygotes.

Submissions (28):

Molecular Diagnostic Laboratory for Inherited Cardiovascular Disease, Montreal Heart Institute
Classification: Likely benign. Last evaluated: 2026-03-27. Review status: criteria provided, single submitter. Criteria: ACMG Guidelines, 2015. Collection method: clinical testing. Allele origin: germline. Affected: no.

Labcorp Genetics (formerly Invitae), Labcorp
Classification: Benign for Dilated cardiomyopathy 1G; Autosomal recessive limb-girdle muscular dystrophy type 2J. Last evaluated: 2026-02-04. Review status: criteria provided, single submitter. Criteria: Invitae Variant Classification Sherloc (09022015). Collection method: clinical testing. Allele origin: germline.

ARUP Laboratories, Molecular Genetics and Genomics, ARUP Laboratories
Classification: Benign. Last evaluated: 2025-04-22. Review status: criteria provided, single submitter. Criteria: ARUP Molecular Germline Variant Investigation Process 2024. Collection method: clinical testing. Allele origin: germline.

Athena Diagnostics
Classification: Benign. Last evaluated: 2024-12-31. Review status: criteria provided, single submitter. Criteria: Athena Diagnostics Criteria. Collection method: clinical testing. Allele origin: unknown.
Comment: The frequency of this variant in the general population is higher than would generally be expected for pathogenic variants in this gene.

Blueprint Genetics
Classification: Likely benign. Last evaluated: 2024-11-26. Review status: criteria provided, single submitter. Criteria: ACMG Guidelines, 2015. Collection method: clinical testing. Allele origin: germline.

Women's Health and Genetics/Laboratory Corporation of America, LabCorp
Classification: Likely benign. Last evaluated: 2024-03-03. Review status: criteria provided, single submitter. Criteria: LabCorp Variant Classification Summary - May 2015. Collection method: clinical testing. Allele origin: germline.

CHEO Genetics Diagnostic Laboratory, Children's Hospital of Eastern Ontario
Classification: Benign for Cardiomyopathy. Last evaluated: 2022-11-10. Review status: criteria provided, single submitter. Criteria: ACMG Guidelines, 2015. Collection method: clinical testing. Allele origin: germline.

Mayo Clinic Laboratories, Mayo Clinic
Classification: Benign. Last evaluated: 2022-07-25. Review status: criteria provided, single submitter. Criteria: ACMG Guidelines, 2015. Collection method: clinical testing. Allele origin: germline. Observed: 62 variant alleles.
Comment: BS1, BS2, BP4

Genome-Nilou Lab
Classification: Benign for Autosomal recessive limb-girdle muscular dystrophy type 2J. Last evaluated: 2021-09-10. Review status: criteria provided, single submitter. Criteria: ACMG Guidelines, 2015. Collection method: clinical testing. Allele origin: germline. Affected: no.

Genome-Nilou Lab
Classification: Benign for Myopathy, myofibrillar, 9, with early respiratory failure. Last evaluated: 2021-09-10. Review status: criteria provided, single submitter. Criteria: ACMG Guidelines, 2015. Collection method: clinical testing. Allele origin: germline. Affected: no.

Genome-Nilou Lab
Classification: Benign for Early-onset myopathy with fatal cardiomyopathy. Last evaluated: 2021-09-10. Review status: criteria provided, single submitter. Criteria: ACMG Guidelines, 2015. Collection method: clinical testing. Allele origin: germline. Affected: no.

Genome-Nilou Lab
Classification: Benign for Tibial muscular dystrophy. Last evaluated: 2021-09-10. Review status: criteria provided, single submitter. Criteria: ACMG Guidelines, 2015. Collection method: clinical testing. Allele origin: germline. Affected: no.

Illumina Laboratory Services, Illumina
Classification: Likely benign for Autosomal recessive limb-girdle muscular dystrophy type 2J. Last evaluated: 2018-01-12. Review status: criteria provided, single submitter. Criteria: ICSL Variant Classification Criteria 13 December 2019. Collection method: clinical testing. Allele origin: germline.
Comment: This variant was observed in the ICSL laboratory as part of a predisposition screen in an ostensibly healthy population. It had not been previously curated by ICSL or reported in the Human Gene Mutation Database (HGMD: prior to June 1st, 2018), and was therefore a candidate for classification through an automated scoring system. Utilizing variant allele frequency, disease prevalence and penetrance estimates, and inheritance mode, an automated score was calculated to assess if this variant is too frequent to cause the disease. Based on the score and internal cut-off values, a variant classified as likely benign is not then subjected to further curation. The score for this variant resulted in a classification of likely benign for this disease.

Illumina Laboratory Services, Illumina
Classification: Benign for Tibial muscular dystrophy. Last evaluated: 2018-01-12. Review status: criteria provided, single submitter. Criteria: ICSL Variant Classification Criteria 13 December 2019. Collection method: clinical testing. Allele origin: germline.
Comment: This variant was observed in the ICSL laboratory as part of a predisposition screen in an ostensibly healthy population. It had not been previously curated by ICSL or reported in the Human Gene Mutation Database (HGMD: prior to June 1st, 2018), and was therefore a candidate for classification through an automated scoring system. Utilizing variant allele frequency, disease prevalence and penetrance estimates, and inheritance mode, an automated score was calculated to assess if this variant is too frequent to cause the disease. Based on the score and internal cut-off values, a variant classified as benign is not then subjected to further curation. The score for this variant resulted in a classification of benign for this disease.

Illumina Laboratory Services, Illumina
Classification: Benign for Myopathy, myofibrillar, 9, with early respiratory failure. Last evaluated: 2018-01-12. Review status: criteria provided, single submitter. Criteria: ICSL Variant Classification Criteria 13 December 2019. Collection method: clinical testing. Allele origin: germline.
Comment: the same text as in the submission from Illumina Laboratory Services, Illumina above.

Illumina Laboratory Services, Illumina
Classification: Likely benign for Early-onset myopathy with fatal cardiomyopathy. Last evaluated: 2018-01-12. Review status: criteria provided, single submitter. Criteria: ICSL Variant Classification Criteria 13 December 2019. Collection method: clinical testing. Allele origin: germline.
Comment: the same text as in the submission from Illumina Laboratory Services, Illumina above.

Illumina Laboratory Services, Illumina
Classification: Likely benign for Dilated cardiomyopathy 1G. Last evaluated: 2018-01-12. Review status: criteria provided, single submitter. Criteria: ICSL Variant Classification Criteria 13 December 2019. Collection method: clinical testing. Allele origin: germline.
Comment: the same text as in the submission from Illumina Laboratory Services, Illumina above.

GeneDx
Classification: Benign. Last evaluated: 2014-01-21. Review status: criteria provided, single submitter. Criteria: GeneDx Variant Classification (06012015). Collection method: clinical testing. Allele origin: germline. Affected: yes.
Comment: This variant is considered likely benign or benign based on one or more of the following criteria: it is a conservative change, it occurs at a poorly conserved position in the protein, it is predicted to be benign by multiple in silico algorithms, and/or has population frequency not consistent with disease.

Biesecker Lab/Clinical Genomics Section, National Institutes of Health
Classification: Benign. Last evaluated: 2013-06-24. Review status: criteria provided, single submitter. Criteria: Ng et al. (Circ Cardiovasc Genet. 2013). Collection method: research. Allele origin: unknown. Observed: 32 variant alleles. Study: ClinSeq.
Comment: The study set was not selected for affection status in relation to any cancer. Pathogenicity categories were based on literature curation. See Pubmed ID:23861362 for details.

Medical sequencing

Ambry Genetics
Classification: Benign for Cardiovascular phenotype. Last evaluated: 2013-02-07. Review status: criteria provided, single submitter. Criteria: Ambry Autosomal Dominant and X-Linked criteria (10/2015). Collection method: clinical testing. Allele origin: germline. Observed: 1 variant allele.

Laboratory for Molecular Medicine, Mass General Brigham Personalized Medicine
Classification: Benign. Last evaluated: 2012-04-12. Review status: criteria provided, single submitter. Criteria: LMM Criteria. Collection method: clinical testing. Allele origin: germline. Observed: 42 variant alleles.
Comment: Arg3367Gln in Exon 43 of TTN: This variant is not expected to have clinical sign ificance because it has been identified in 1.6% (114/7020) of European American chromosomes from a broad population by the NHLBI Exome Sequencing Project (dbSNP rs34819099).

Breakthrough Genomics
Classification: Likely benign. Review status: criteria provided, single submitter. Criteria: ACMG Guidelines, 2015. Collection method: not provided. Allele origin: germline. Inheritance: Autosomal recessive inheritance. Affected: yes.

PreventionGenetics, part of Exact Sciences
Classification: Benign. Review status: criteria provided, single submitter. Criteria: ACMG Guidelines, 2015. Collection method: clinical testing. Allele origin: germline.

Clinical Genetics DNA and cytogenetics Diagnostics Lab, Erasmus MC, Erasmus Medical Center
Classification: Benign. Review status: no assertion criteria provided. Collection method: clinical testing. Allele origin: germline. Affected: yes. Study: VKGL Data-share Consensus. Not counted in ClinVar's aggregate classification.

Clinical Genetics, Academic Medical Center
Classification: Benign. Review status: no assertion criteria provided. Collection method: clinical testing. Allele origin: germline. Affected: yes. Study: VKGL Data-share Consensus. Not counted in ClinVar's aggregate classification.

Diagnostic Laboratory, Department of Genetics, University Medical Center Groningen
Classification: Likely benign. Review status: no assertion criteria provided. Collection method: clinical testing. Allele origin: germline. Affected: yes. Study: VKGL Data-share Consensus. Not counted in ClinVar's aggregate classification.

Genome Diagnostics Laboratory, University Medical Center Utrecht
Classification: Benign. Review status: no assertion criteria provided. Collection method: clinical testing. Allele origin: germline. Affected: yes. Study: VKGL Data-share Consensus. Not counted in ClinVar's aggregate classification.

Laboratory of Diagnostic Genome Analysis, Leiden University Medical Center (LUMC)
Classification: Likely benign. Review status: no assertion criteria provided. Collection method: clinical testing. Allele origin: germline. Affected: yes. Study: VKGL Data-share Consensus. Not counted in ClinVar's aggregate classification.

Literature cited by the submitters: PubMed 23861362 (cited by Athena Diagnostics); PubMed 28440294 (cited by Athena Diagnostics); PubMed 30937429 (cited by Athena Diagnostics).

NM_001267550.2(TTN):c.10100G>A (p.Arg3367Gln)

Gene: TTN (titin; minus strand). Cytogenetic location: 2q31.2.
Variant type: single nucleotide variant.
Coding change: c.10100G>A on transcript NM_001267550.2 (MANE Select); coding-DNA position 10100, G replaced by A.
Protein change: p.Arg3367Gln; replaces arginine 3367 with glutamine.
Molecular consequence: missense variant.
Genome position (GRCh38, 1-based): chr2:178,764,191, C>T on the plus strand (G>A on the coding strand, the complement: TTN is on the minus strand). VCF-style: chr2-178764191-C-T. GRCh37 (hg19) VCF-style: chr2-179628918-C-T.
Other names: p.R3367Q:CGG>CAG; c.10100G>A, p.Arg3367Gln (NM_001256850.1, NM_133378.4, NM_133379.5); c.9962G>A, p.Arg3321Gln (NM_003319.4, NM_133432.3, NM_133437.4); c.10100G>A (NM_001267550.1); short protein forms R3367Q, R3321Q.
Identifiers: ClinVar variation 46578 (VCV000046578.55), dbSNP rs34819099, ClinGen allele CA282632.
Genomic context (GRCh38, chr2:178,764,191, plus strand): 5'-ATTATTTGTAAGTATTGGCAATGACACCTTTTGTTCTTAAACCTACCTGTTCCAGAAACC[C>T]GGCATTGAAAACGGGCTGGCTGCCCTTCAGAAGTGACAGTGTCCTGAAGCGGGGTGATGA-3'
Protein context (NP_001254479.2, residues 3357-3377): SEGQPARFQC[Arg3367Gln]VSGTDLKVSW